The following is an entry in ClinVar:

ClinVar aggregate classification (germline): Uncertain significance (1 of 4 stars; one submission).

Conditions:
SHANK2-related disorder.

gnomAD v4.1: 8 of 1,551,540 alleles (0.00052%); highest among the groups gnomAD compares: Admixed American, 0.0059%; no homozygotes.

Submission:

PreventionGenetics, part of Exact Sciences
Classification: Uncertain significance for SHANK2-related condition. Last evaluated: 2026-01-14. Review status: criteria provided, single submitter. Criteria: ACMG Guidelines, 2015. Collection method: clinical testing. Allele origin: germline.
Comment: The SHANK2 c.451G>A variant is predicted to result in the amino acid substitution p.Asp151Asn. To our knowledge, this variant has not been reported in the literature. This variant is reported in 0.0041% of alleles in individuals of Latino descent in gnomAD. At this time, the clinical significance of this variant is uncertain due to the absence of conclusive functional and genetic evidence.

NM_012309.5(SHANK2):c.451G>A (p.Asp151Asn)

Gene: SHANK2 (SH3 and multiple ankyrin repeat domains 2; minus strand). Cytogenetic location: 11q13.4.
Variant type: single nucleotide variant.
Coding change: c.451G>A on transcript NM_012309.5 (MANE Select); coding-DNA position 451, G replaced by A.
Protein change: p.Asp151Asn; replaces aspartic acid 151 with asparagine.
Molecular consequence: missense variant. On other transcripts: intron variant (1).
Genome position (GRCh38, 1-based): chr11:71,113,325, C>T on the plus strand (G>A on the coding strand, the complement: SHANK2 is on the minus strand). VCF-style: chr11-71113325-C-T. GRCh37 (hg19) VCF-style: chr11-70824371-C-T.
Other names: c.451G>A, p.Asp151Asn (NM_001441024.1, NM_001441025.1, NM_001441026.1 and 12 more transcripts); c.412-3276G>A (NM_001441038.1); short protein forms D151N.
Identifiers: ClinVar variation 4993782 (VCV004993782.1).